The following is an entry in ClinVar:

ClinVar aggregate classification (germline): Pathogenic/Likely pathogenic. Review status: criteria provided, multiple submitters, no conflicts (2 of 4 stars). 8 submissions from 8 submitters: Pathogenic (7); Likely pathogenic (1). Last evaluated 2025-03-16.

Conditions:
Marfan Syndrome/Loeys-Dietz Syndrome/Familial Thoracic Aortic Aneurysms and Dissections. Identifiers: MedGen CN229799.
Marfan syndrome (MFS). Also called: Marfan's syndrome; MARFAN SYNDROME, TYPE I; Marfan syndrome, classic; FBN1-Related Marfan Syndrome; Marfan syndrome type 1. Identifiers: Orphanet 284963, Orphanet 558, MedGen C0024796, MONDO:0007947, OMIM 154700.
Familial thoracic aortic aneurysm and aortic dissection (TAAD). Also called: Thoracic aortic aneurysms and dissections. Identifiers: Orphanet 91387, MedGen C4707243, MONDO:0019625.
FBN1-related disorder. Also called: FBN1-related disorders.

Submissions (8):

Labcorp Genetics (formerly Invitae), Labcorp
Classification: Pathogenic for Marfan syndrome; Familial thoracic aortic aneurysm and aortic dissection. Last evaluated: 2025-03-16. Review status: criteria provided, single submitter. Criteria: Invitae Variant Classification Sherloc (09022015). Collection method: clinical testing. Allele origin: germline.
Comment: This sequence change replaces cysteine, which is neutral and slightly polar, with tyrosine, which is neutral and polar, at codon 748 of the FBN1 protein (p.Cys748Tyr). This variant is not present in population databases (gnomAD no frequency). This missense change has been observed in individuals with Marfan syndrome (PMID: 12161601, 12203992, 19839986, 26770496). ClinVar contains an entry for this variant (Variation ID: 420086). Invitae Evidence Modeling of protein sequence and biophysical properties (such as structural, functional, and spatial information, amino acid conservation, physicochemical variation, residue mobility, and thermodynamic stability) indicates that this missense variant is expected to disrupt FBN1 protein function with a positive predictive value of 95%. This variant affects a cysteine residue in the EGF-like, TGFBP or hybrid motif domains of FBN1. Cysteine residues are believed to be involved in intramolecular disulfide bridges and have been shown to be important for FBN1 protein structure (PMID: 16905551, 19349279). In addition, missense substitutions affecting cysteine residues within these domains are significantly overrepresented among patients with Marfan syndrome (PMID: 16571647, 17701892). This variant disrupts the p.Cys748 amino acid residue in FBN1. Other variant(s) that disrupt this residue have been observed in individuals with FBN1-related conditions (PMID: 19839986, 29357934), which suggests that this may be a clinically significant amino acid residue. For these reasons, this variant has been classified as Pathogenic.

GeneDx
Classification: Likely pathogenic. Last evaluated: 2023-10-03. Review status: criteria provided, single submitter. Criteria: GeneDx Variant Classification Process June 2021. Collection method: clinical testing. Allele origin: germline. Affected: yes.
Comment: Not observed at significant frequency in large population cohorts (gnomAD); In silico analysis supports that this missense variant has a deleterious effect on protein structure/function; Affects a cysteine residue within a calcium-binding EGF-like domain of the FBN1 gene, which may affect disulfide bonding and is predicted to alter the structure and function of the protein; cysteine substitutions in the calcium-binding EGF-like domains represent the majority of pathogenic missense changes associated with FBN1-related disorders (Collod-Beroud et al., 2003); This variant is associated with the following publications: (PMID: 26770496, 28391405, 30675029, 19328768, 12203992, 12161601, 12938084, 31830381, 37203318, 19839986)

Blueprint Genetics
Classification: Pathogenic for FBN1-related disorders. Last evaluated: 2022-06-14. Review status: criteria provided, single submitter. Criteria: ACMG Guidelines, 2015. Collection method: clinical testing. Allele origin: germline. Affected: yes. Observed: 4 variant alleles.

Mayo Clinic Laboratories, Mayo Clinic
Classification: Pathogenic. Last evaluated: 2021-04-09. Review status: criteria provided, single submitter. Criteria: ACMG Guidelines, 2015. Collection method: clinical testing. Allele origin: germline.
Comment: PS4_moderate, PM1, PM5, PP3, PP4, PM2_supporting

Women's Health and Genetics/Laboratory Corporation of America, LabCorp
Classification: Pathogenic for Marfan Syndrome/Loeys-Dietz Syndrome/Familial Thoracic Aortic Aneurysms and Dissections. Last evaluated: 2021-02-22. Review status: criteria provided, single submitter. Criteria: LabCorp Variant Classification Summary - May 2015. Collection method: clinical testing. Allele origin: germline.
Comment: Variant summary: FBN1 c.2243G>A (p.Cys748Tyr) results in a non-conservative amino acid change located in the EGF-like domain of the encoded protein sequence. Five of five in-silico tools predict a damaging effect of the variant on protein function. The variant was absent in 251436 control chromosomes. c.2243G>A has been reported in the literature in multiple individuals affected with Marfan Syndrome (e.g. Katzke_2002, Hung_2009, Xu_2019). These data indicate that the variant is very likely to be associated with disease. To our knowledge, no experimental evidence demonstrating an impact on protein function has been reported. However, this variant disrupts one of the cysteine residues in the EGF-like domain, which are known to play an important role in protein structure and interactions with other molecules, suggesting that the variant could affect protein function (e.g. Dietz_1992). Two other clinical diagnostic laboratories have submitted clinical-significance assessments for this variant to ClinVar after 2014 without evidence for independent evaluation. Both laboratories cited the variant as pathogenic/likely pathogenic. Based on the evidence outlined above, the variant was classified as pathogenic.

Arcensus
Classification: Pathogenic for Marfan syndrome. Last evaluated: 2013-02-01. Review status: criteria provided, single submitter. Criteria: ACMG Guidelines, 2015. Collection method: clinical testing. Allele origin: germline. Affected: yes.

Clinical Genetics Service, Universitary Hospital 12 de Octubre
Classification: Pathogenic for Marfan syndrome. Review status: criteria provided, single submitter. Criteria: ACMG Guidelines, 2015. Collection method: clinical testing. Allele origin: germline. Affected: yes.

Neuberg Centre For Genomic Medicine, NCGM
Classification: Pathogenic for Marfan syndrome. Review status: criteria provided, single submitter. Criteria: ACMG Guidelines, 2015. Collection method: clinical testing. Allele origin: germline. Inheritance: Autosomal dominant inheritance. Affected: yes.
Comment: The FBN1 c.2243G>A variant has been reported in individuals affected with Marfan syndrome (Katzke et. al., 2002; Hung et. al., 2009) and one or more missense substitutions at this codon (p.Cys748Tyr and p.Cys748Arg) in affected individuals suggests that this may be a clinically significant residue (Hung CC et. al., 2009; Becerra-Muñoz VM et. al., 2018). This variant affects a cysteine residue in the EGF-like, TGFBP or hybrid motif domains FBN1. Cysteine residues are believed to be involved in intramolecular disulfide bridges and have been shown to be important for FBN1 protein structure (Mellody et. al., 2006; Ono RN et. al., 2009). In addition, missense substitutions affecting cysteine residues within these domains are significantly overrepresented among patients with Marfan syndrome (Robinson PN et. al., 2006; Katzke et. al., 2002). The p.Cys748Tyr variant is novel (not in any individuals) in gnomAD Exomes and 1000 Genomes. This variant has been reported to the ClinVar database (Pathogenic/Likely Pathogenic). The amino acid Cys at position 748 is changed to a Tyr changing protein sequence and it might alter its composition and physico-chemical properties. The amino acid change p.Cys748Tyr in FBN1 is predicted as conserved by GERP++ and PhyloP across 100 vertebrates. For these reasons, this variant has been classified as Pathogenic.

Literature cited by the submitters: PubMed 12161601 (cited by 3 submitters); PubMed 12203992 (cited by 3 submitters); PubMed 19839986 (cited by 3 submitters); PubMed 26770496 (cited by 3 submitters); PubMed 16905551 (cited by Labcorp Genetics (formerly Invitae), Labcorp); PubMed 19349279 (cited by Labcorp Genetics (formerly Invitae), Labcorp); PubMed 16571647 (cited by Labcorp Genetics (formerly Invitae), Labcorp); PubMed 17701892 (cited by Labcorp Genetics (formerly Invitae), Labcorp); PubMed 29357934 (cited by Labcorp Genetics (formerly Invitae), Labcorp); PubMed 31830381 (cited by Mayo Clinic Laboratories, Mayo Clinic and Women's Health and Genetics/Laboratory Corporation of America, LabCorp); PubMed 12938084 (cited by Women's Health and Genetics/Laboratory Corporation of America, LabCorp); PubMed 16342915 (cited by Women's Health and Genetics/Laboratory Corporation of America, LabCorp); PubMed 19328768 (cited by Women's Health and Genetics/Laboratory Corporation of America, LabCorp); PubMed 28391405 (cited by Women's Health and Genetics/Laboratory Corporation of America, LabCorp).

NM_000138.5(FBN1):c.2243G>A (p.Cys748Tyr)

Gene: FBN1 (fibrillin 1; minus strand). Cytogenetic location: 15q21.1.
Variant type: single nucleotide variant.
Coding change: c.2243G>A on transcript NM_000138.5 (MANE Select); coding-DNA position 2243, G replaced by A.
Protein change: p.Cys748Tyr; replaces cysteine 748 with tyrosine.
Molecular consequence: missense variant.
Genome position (GRCh38, 1-based): chr15:48,497,316, C>T on the plus strand (G>A on the coding strand, the complement: FBN1 is on the minus strand). VCF-style: chr15-48497316-C-T. GRCh37 (hg19) VCF-style: chr15-48789513-C-T.
Other names: p.Cys748Tyr; short protein forms C748Y.
Identifiers: ClinVar variation 420086 (VCV000420086.36), dbSNP rs1064794282, ClinGen allele CA16619969.